The following is an entry in ClinVar:

NM_001370466.1(NOD2):c.2634-81G>A

Gene: NOD2 (nucleotide binding oligomerization domain containing 2; plus strand). Cytogenetic location: 16q12.1.
Variant type: single nucleotide variant.
Coding change: c.2634-81G>A on transcript NM_001370466.1 (MANE Select); 81 bases into the intron before coding-DNA position 2634, G replaced by A.
Molecular consequence: intron variant.
Genome position (GRCh38, 1-based): chr16:50,722,541, G>A. VCF-style: chr16-50722541-G-A. GRCh37 (hg19) VCF-style: chr16-50756452-G-A.
Other names: c.2715-81G>A (LRG_177t1, NM_022162.3); c.2634-81G>A (NM_001293557.2).
Identifiers: ClinVar variation 97863 (VCV000097863.1), dbSNP rs104895465, ClinGen allele CA150295.
Genomic context (GRCh38, chr16:50,722,541, plus strand): 5'-AGCCCCAGTGAGGCCACTCTGGGATTGAGTGGTCCTGCCCCTCTGGCTGGGACTGCAGAG[G>A]GAGGAGGACTGTTAGTTCATGTCTAGAACACATATCAGGTACTCACTGACACTGTCTGTT-3'

ClinVar aggregate classification (germline): not provided (0 of 4 stars; one submission).

Conditions:
Blau syndrome (BLAUS). Also called: ARTHROCUTANEOUVEAL GRANULOMATOSIS; GRANULOMATOSIS, FAMILIAL JUVENILE SYSTEMIC; GRANULOMATOSIS, FAMILIAL, BLAU TYPE; GRANULOMATOUS INFLAMMATORY ARTHRITIS, DERMATITIS, AND UVEITIS, FAMILIAL; JABS SYNDROME. Identifiers: Orphanet 90340, MedGen C5201146, MONDO:0008523, OMIM 186580.

Allele frequency attached by ClinVar (database versions not stated): gnomAD exomes below 0.00001; TOPMed below 0.00001.
gnomAD v4.1: 2 of 1,341,760 alleles (0.00015%); highest among the groups gnomAD compares: Middle Eastern, 0.018%; no homozygotes.

Submission:

Unité médicale des maladies autoinflammatoires, CHRU Montpellier
No classification provided. Condition: Sarcoidosis, early-onset. Review status: no classification provided. Collection method: not provided. Allele origin: unknown.
Comment: also involved in OMIM 186580 and 266600